The following is an entry in ClinVar:

ClinVar aggregate classification (germline): Uncertain significance (1 of 4 stars; one submission).

Conditions:
Hereditary cancer-predisposing syndrome. Also called: Hereditary Cancer Syndrome; Hereditary neoplastic syndrome; Neoplastic Syndromes, Hereditary; Tumor predisposition. Identifiers: Orphanet 140162, MedGen C0027672, MeSH D009386, MONDO:0015356.

gnomAD v4.1: 2 of 1,597,522 alleles (0.00013%); highest among the groups gnomAD compares: Non-Finnish European, 0.00017%; no homozygotes.

Submission:

Ambry Genetics
Classification: Uncertain significance for Hereditary cancer-predisposing syndrome. Last evaluated: 2025-03-28. Review status: criteria provided, single submitter. Criteria: Ambry Variant Classification Scheme 2023. Collection method: clinical testing. Allele origin: germline.
Comment: The p.T77N variant (also known as c.230C>A), located in coding exon 2 of the CDKN2A gene, results from a C to A substitution at nucleotide position 230. The threonine at codon 77 is replaced by asparagine, an amino acid with similar properties. This variant was identified in a cohort of nodular melanoma patients (Stark MS et al. Br J Dermatol. 2024 Jan;190:199-206). This amino acid position is highly conserved in available vertebrate species. In addition, the in silico prediction for this alteration is inconclusive. Of note, this alteration is also known as c.273C>A (p.H91Q) in the p14(ARF) isoform. Based on the available evidence, the clinical significance of this variant remains unclear.

Literature cited by the submitters: PubMed 37766469.

NM_000077.5(CDKN2A):c.230C>A (p.Thr77Asn)

Gene: CDKN2A (cyclin dependent kinase inhibitor 2A; minus strand). Cytogenetic location: 9p21.3.
Variant type: single nucleotide variant.
Coding change: c.230C>A on transcript NM_000077.5; coding-DNA position 230, C replaced by A.
Protein change: p.Thr77Asn; replaces threonine 77 with asparagine.
Molecular consequence: missense variant (on NM_000077.6). On other transcripts: 3 prime UTR variant (1).
Genome position (GRCh38, 1-based): chr9:21,971,129, G>T on the plus strand (C>A on the coding strand, the complement: CDKN2A is on the minus strand). VCF-style: chr9-21971129-G-T. GRCh37 (hg19) VCF-style: chr9-21971128-G-T.
Other names: c.230C>A, p.Thr77Asn (NM_000077.6, NM_001195132.2); c.77C>A, p.Thr26Asn (NM_001363763.2); c.273C>A, p.His91Gln (NM_058195.4); c.*153C>A (NM_058197.5); short protein forms H91Q, T26N, T77N.
Identifiers: ClinVar variation 3999766 (VCV003999766.1).
Genomic context (GRCh38, chr9:21,971,129, plus strand): 5'-AGCACCACCAGCGTGTCCAGGAAGCCCTCCCGGGCAGCGTCGTGCACGGGTCGGGTGAGA[G>T]TGGCGGGGTCGGCGCAGTTGGGCTCCGCGCCGTGGAGCAGCAGCAGCTCCGCCACTCGGG-3'
Protein context (NP_000068.1, residues 67-87): GAEPNCADPA[Thr77Asn]LTRPVHDAAR